The following is an entry in ClinVar:

NM_001029883.3(PCARE):c.2796A>C (p.Gln932His)

Gene: PCARE (photoreceptor cilium actin regulator; minus strand). Cytogenetic location: 2p23.2.
Variant type: single nucleotide variant.
Coding change: c.2796A>C on transcript NM_001029883.3 (MANE Select); coding-DNA position 2796, A replaced by C.
Protein change: p.Gln932His; replaces glutamine 932 with histidine.
Molecular consequence: missense variant.
Genome position (GRCh38, 1-based): chr2:29,071,466, T>G on the plus strand (A>C on the coding strand, the complement: PCARE is on the minus strand). VCF-style: chr2-29071466-T-G. GRCh37 (hg19) VCF-style: chr2-29294332-T-G.
Other names: short protein forms Q932H.
Identifiers: ClinVar variation 193143 (VCV000193143.11), dbSNP rs794726891, ClinGen allele CA238646.

ClinVar aggregate classification (germline): Uncertain significance. Review status: criteria provided, multiple submitters, no conflicts (2 of 4 stars). 3 submissions from 3 submitters: Uncertain significance (3). Last evaluated 2023-03-07.

Allele frequency attached by ClinVar (database versions not stated): gnomAD 0.00001; TOPMed 0.00004.
gnomAD v4.1: 4 of 1,612,278 alleles (0.00025%); highest among the groups gnomAD compares: Admixed American, 0.005%; no homozygotes.

Submissions (3):

Blueprint Genetics
Classification: Uncertain significance. Last evaluated: 2023-03-07. Review status: criteria provided, single submitter. Criteria: ACMG Guidelines, 2015. Collection method: clinical testing. Allele origin: germline.

Labcorp Genetics (formerly Invitae), Labcorp
Classification: Uncertain significance. Last evaluated: 2021-08-27. Review status: criteria provided, single submitter. Criteria: Invitae Variant Classification Sherloc (09022015). Collection method: clinical testing. Allele origin: germline.
Comment: This sequence change replaces glutamine with histidine at codon 932 of the PCARE protein (p.Gln932His). The glutamine residue is weakly conserved and there is a small physicochemical difference between glutamine and histidine. This variant is not present in population databases (ExAC no frequency). This variant has not been reported in the literature in individuals affected with PCARE-related conditions. ClinVar contains an entry for this variant (Variation ID: 193143). Algorithms developed to predict the effect of missense changes on protein structure and function output the following: SIFT: "Tolerated"; PolyPhen-2: "Benign"; Align-GVGD: "Class C0". The histidine amino acid residue is found in multiple mammalian species, which suggests that this missense change does not adversely affect protein function. In summary, the available evidence is currently insufficient to determine the role of this variant in disease. Therefore, it has been classified as a Variant of Uncertain Significance.

Eurofins Ntd Llc (ga)
Classification: Uncertain significance. Last evaluated: 2014-07-29. Review status: criteria provided, single submitter. Criteria: EGL Classification Definitions 2015. Collection method: clinical testing. Allele origin: germline. Observed: 1 variant allele, 1 heterozygote.